The following is an entry in ClinVar:

NM_005120.3(MED12):c.1984C>T (p.Leu662Phe)

Gene: MED12 (mediator complex subunit 12; plus strand). Cytogenetic location: Xq13.1.
Variant type: single nucleotide variant.
Coding change: c.1984C>T on transcript NM_005120.3 (MANE Select); coding-DNA position 1984, C replaced by T.
Protein change: p.Leu662Phe; replaces leucine 662 with phenylalanine.
Molecular consequence: missense variant.
Genome position (GRCh38, 1-based): chrX:71,124,773, C>T. VCF-style: chrX-71124773-C-T. GRCh37 (hg19) VCF-style: chrX-70344623-C-T.
Other names: short protein forms L662F.
Identifiers: ClinVar variation 2450611 (VCV002450611.5), dbSNP rs754495912, ClinGen allele CA10444281.

ClinVar aggregate classification (germline): Conflicting classifications of pathogenicity. Review status: criteria provided, conflicting classifications (1 of 4 stars). 2 submissions from 2 submitters: Uncertain significance (1); Likely benign (1). Last evaluated 2023-06-23.

Conditions:
Familial thoracic aortic aneurysm and aortic dissection (TAAD). Also called: Thoracic aortic aneurysms and dissections. Identifiers: Orphanet 91387, MedGen C4707243, MONDO:0019625.
FG syndrome (FGS). Identifiers: MedGen C0220769, MONDO:0002010.

Allele frequency attached by ClinVar (database versions not stated): gnomAD exomes below 0.00001; ExAC 0.00003.
gnomAD v4.1: 2 of 1,208,541 alleles (0.00017%); highest among the groups gnomAD compares: Non-Finnish European, 0.00022%; no homozygotes.

Submissions (2):

Labcorp Genetics (formerly Invitae), Labcorp
Classification: Likely benign for FG syndrome. Last evaluated: 2023-06-23. Review status: criteria provided, single submitter. Criteria: Invitae Variant Classification Sherloc (09022015). Collection method: clinical testing. Allele origin: germline.

Ambry Genetics
Classification: Uncertain significance for Familial thoracic aortic aneurysm and aortic dissection. Last evaluated: 2023-02-23. Review status: criteria provided, single submitter. Criteria: Ambry Variant Classification Scheme 2023. Collection method: clinical testing. Allele origin: germline.
Comment: The p.L662F variant (also known as c.1984C>T), located in coding exon 14 of the MED12 gene, results from a C to T substitution at nucleotide position 1984. The leucine at codon 662 is replaced by phenylalanine, an amino acid with highly similar properties. This amino acid position is conserved. In addition, this alteration is predicted to be tolerated by in silico analysis. Since supporting evidence is limited at this time, the clinical significance of this alteration remains unclear.